The following is an entry in ClinVar:

ClinVar aggregate classification (germline): Uncertain significance. Review status: criteria provided, multiple submitters, no conflicts (2 of 4 stars). 2 submissions from 2 submitters: Uncertain significance (2). Last evaluated 2026-06-16.

Conditions:
Hereditary cancer-predisposing syndrome. Also called: Hereditary neoplastic syndrome; Neoplastic Syndromes, Hereditary; Tumor predisposition; Hereditary Cancer Syndrome. Identifiers: Orphanet 140162, MedGen C0027672, MeSH D009386, MONDO:0015356.
Familial cancer of breast. Also called: Hereditary breast cancer; BREAST CANCER, FAMILIAL; hereditary breast carcinoma. Identifiers: Orphanet 227535, MedGen C0346153, MONDO:0016419, OMIM 114480. Disease mechanism: loss of function.

Submissions (2):

Ambry Genetics
Classification: Uncertain significance for Hereditary cancer-predisposing syndrome. Last evaluated: 2026-06-16. Review status: criteria provided, single submitter. Criteria: Ambry Variant Classification Scheme 2023. Collection method: clinical testing. Allele origin: germline.
Comment: The p.F1161L variant (also known as c.3483T>A), located in coding exon 13 of the PALB2 gene, results from a T to A substitution at nucleotide position 3483. The phenylalanine at codon 1161 is replaced by leucine, an amino acid with highly similar properties. This amino acid position is conserved. In addition, this alteration is predicted to be tolerated by in silico analysis. Based on the available evidence, the clinical significance of this variant remains unclear.

Labcorp Genetics (formerly Invitae), Labcorp
Classification: Uncertain significance for Familial cancer of breast. Last evaluated: 2022-04-04. Review status: criteria provided, single submitter. Criteria: Invitae Variant Classification Sherloc (09022015). Collection method: clinical testing. Allele origin: germline.
Comment: This sequence change replaces phenylalanine, which is neutral and non-polar, with leucine, which is neutral and non-polar, at codon 1161 of the PALB2 protein (p.Phe1161Leu). This variant is not present in population databases (gnomAD no frequency). This variant has not been reported in the literature in individuals affected with PALB2-related conditions. Algorithms developed to predict the effect of missense changes on protein structure and function output the following: SIFT: "Tolerated"; PolyPhen-2: "Benign"; Align-GVGD: "Class C0". The leucine amino acid residue is found in multiple mammalian species, which suggests that this missense change does not adversely affect protein function. In summary, the available evidence is currently insufficient to determine the role of this variant in disease. Therefore, it has been classified as a Variant of Uncertain Significance.

NM_024675.4(PALB2):c.3483T>A (p.Phe1161Leu)

Gene: PALB2 (partner and localizer of BRCA2; minus strand). Cytogenetic location: 16p12.2.
Variant type: single nucleotide variant.
Coding change: c.3483T>A on transcript NM_024675.4 (MANE Select); coding-DNA position 3483, T replaced by A.
Protein change: p.Phe1161Leu; replaces phenylalanine 1161 with leucine.
Molecular consequence: missense variant.
Genome position (GRCh38, 1-based): chr16:23,603,537, A>T on the plus strand (T>A on the coding strand, the complement: PALB2 is on the minus strand). VCF-style: chr16-23603537-A-T. GRCh37 (hg19) VCF-style: chr16-23614858-A-T.
Other names: c.3246T>A, p.Phe1082Leu (NM_001407299.1); c.3204T>A, p.Phe1068Leu (NM_001407300.1); c.*118T>A (NM_001407301.1, NM_001407302.1, NM_001407310.1 and 2 more transcripts); c.2598T>A, p.Phe866Leu (NM_001407304.1, NM_001407305.1, NM_001407306.1); c.2436T>A, p.Phe812Leu (NM_001407307.1); c.2361T>A, p.Phe787Leu (NM_001407308.1, NM_001407309.1); c.3423T>A, p.Phe1141Leu (NM_001407296.1); c.3411T>A, p.Phe1137Leu (NM_001407297.1); and 3 more; short protein forms F1068L, F1107L, F1137L, F1161L, F812L, F1082L, F1141L, F866L.
Identifiers: ClinVar variation 1953404 (VCV001953404.6), dbSNP rs372686500, ClinGen allele CA395137968.